The following is an entry in ClinVar:

NM_006531.5(IFT88):c.430G>A (p.Glu144Lys)

Gene: IFT88 (intraflagellar transport 88; plus strand). Cytogenetic location: 13q12.11.
Variant type: single nucleotide variant.
Coding change: c.430G>A on transcript NM_006531.5 (MANE Select); coding-DNA position 430, G replaced by A.
Protein change: p.Glu144Lys; replaces glutamic acid 144 with lysine.
Molecular consequence: missense variant. On other transcripts: 5 prime UTR variant (1), non-coding transcript variant (5).
Genome position (GRCh38, 1-based): chr13:20,596,181, G>A. VCF-style: chr13-20596181-G-A. GRCh37 (hg19) VCF-style: chr13-21170320-G-A.
Other names: c.373G>A, p.Glu125Lys (NM_001318491.2, NM_001353573.2, NM_001353574.2 and 1 more transcripts); c.457G>A, p.Glu153Lys (NM_001318493.2, NM_001353565.2, NM_001353566.2 and 6 more transcripts); c.430G>A, p.Glu144Lys (NM_001353568.2, NM_001353571.2, NM_001353572.2 and 1 more transcripts); c.-204G>A (NM_001353579.2); short protein forms E153K, E125K, E144K.
Identifiers: ClinVar variation 4677948 (VCV004677948.2).

ClinVar aggregate classification (germline): Conflicting classifications of pathogenicity. Review status: criteria provided, conflicting classifications (1 of 4 stars). 2 submissions from 2 submitters: Uncertain significance (1); Likely benign (1). Last evaluated 2025-11-28.

Submissions (2):

Labcorp Genetics (formerly Invitae), Labcorp
Classification: Uncertain significance. Last evaluated: 2025-11-28. Review status: criteria provided, single submitter. Criteria: Invitae Variant Classification Sherloc (09022015). Collection method: clinical testing. Allele origin: germline.
Comment: This sequence change replaces glutamic acid, which is acidic and polar, with lysine, which is basic and polar, at codon 153 of the IFT88 protein (p.Glu153Lys). This variant is not present in population databases (gnomAD no frequency). This variant has not been reported in the literature in individuals affected with IFT88-related conditions. An algorithm developed to predict the effect of missense changes on protein structure and function outputs the following: PolyPhen-2: "Benign". The lysine amino acid residue is found in multiple mammalian species, which suggests that this missense change does not adversely affect protein function. In summary, the available evidence is currently insufficient to determine the role of this variant in disease. Therefore, it has been classified as a Variant of Uncertain Significance.

Ambry Genetics
Classification: Likely benign. Last evaluated: 2025-11-13. Review status: criteria provided, single submitter. Criteria: Ambry Variant Classification Scheme 2023. Collection method: clinical testing. Allele origin: germline.